The following is an entry in ClinVar:

ClinVar aggregate classification (germline): Uncertain significance. Review status: criteria provided, multiple submitters, no conflicts (2 of 4 stars). 2 submissions from 2 submitters: Uncertain significance (2). Last evaluated 2026-04-14.

Conditions:
Familial intrahepatic cholestasis. Identifiers: Orphanet 284385, MedGen CN296401, MONDO:0017290.

Submissions (2):

Genomenon, Inc
Classification: Uncertain significance for Familial intrahepatic cholestasis. Last evaluated: 2026-04-14. Review status: criteria provided, single submitter. Criteria: Genomenon Sequence Variant Interpretation Standards - Updated. Collection method: curation. Allele origin: germline. Affected: yes.
Comment: ABCB4 p.Val475Ala (c.1424T>C) is a missense variant that changes the amino acid at residue 475 from Valine to Alanine. This variant has been observed in at least one proband with an ABCB4-related disorder (PMID:21119540). Functional studies have been reported (PMID:27256251). It is absent or not present at a significant frequency in gnomAD. In silico models predict that this variant is possibly or probably damaging. In conclusion, we classify ABCB4 p.Val475Ala (c.1424T>C) as a variant of uncertain significance.

Women's Health and Genetics/Laboratory Corporation of America, LabCorp
Classification: Uncertain significance. Last evaluated: 2025-12-31. Review status: criteria provided, single submitter. Criteria: LabCorp Variant Classification Summary - May 2015. Collection method: clinical testing. Allele origin: germline.
Comment: Variant summary: ABCB4 c.1424T>C (p.Val475Ala) results in a non-conservative amino acid change in the encoded protein sequence. Algorithms developed to predict the effect of missense changes on protein structure and function all suggest that this variant is likely to be disruptive. The variant was absent in 251298 control chromosomes. The available data on variant occurrences in the general population are insufficient to allow any conclusion about variant significance. c.1424T>C has been observed in an individual affected with Progressive Familial Intrahepatic Cholestasis (Degiorgio_2007). These data do not allow any conclusion about variant significance. At least one publication reports experimental evidence evaluating an impact on protein function and the most pronounced variant effect results in about 83% of normal activity (Park_2016). The following publications have been ascertained in the context of this evaluation (PMID: 21119540, 17726488, 27256251, 39521930). No submitters have cited clinical-significance assessments for this variant to ClinVar. Based on the evidence outlined above, the variant was classified as uncertain significance.

Literature cited by the submitters: PubMed 21119540 (cited by Genomenon, Inc and Women's Health and Genetics/Laboratory Corporation of America, LabCorp); PubMed 27256251 (cited by Genomenon, Inc and Women's Health and Genetics/Laboratory Corporation of America, LabCorp); PubMed 17726488 (cited by Women's Health and Genetics/Laboratory Corporation of America, LabCorp); PubMed 39521930 (cited by Women's Health and Genetics/Laboratory Corporation of America, LabCorp).

NM_000443.4(ABCB4):c.1424T>C (p.Val475Ala)

Gene: ABCB4 (ATP binding cassette subfamily B member 4; minus strand). Cytogenetic location: 7q21.12.
Variant type: single nucleotide variant.
Coding change: c.1424T>C on transcript NM_000443.4 (MANE Select); coding-DNA position 1424, T replaced by C.
Protein change: p.Val475Ala; replaces valine 475 with alanine.
Molecular consequence: missense variant.
Genome position (GRCh38, 1-based): chr7:87,440,335, A>G on the plus strand (T>C on the coding strand, the complement: ABCB4 is on the minus strand). VCF-style: chr7-87440335-A-G. GRCh37 (hg19) VCF-style: chr7-87069651-A-G.
Other names: c.1424T>C, p.Val475Ala (NM_018849.3, NM_018850.3); short protein forms V475A.
Identifiers: ClinVar variation 4688613 (VCV004688613.2).